The following is an entry in ClinVar:

ClinVar aggregate classification (germline): Uncertain significance (1 of 4 stars; one submission).

Conditions:
Cardiovascular phenotype. Identifiers: MedGen CN230736.

Submission:

Ambry Genetics
Classification: Uncertain significance for Cardiovascular phenotype. Last evaluated: 2025-04-04. Review status: criteria provided, single submitter. Criteria: Ambry Variant Classification Scheme 2023. Collection method: clinical testing. Allele origin: germline.
Comment: The p.P177R variant (also known as c.530C>G), located in coding exon 5 of the SPRED1 gene, results from a C to G substitution at nucleotide position 530. The proline at codon 177 is replaced by arginine, an amino acid with dissimilar properties. This amino acid position is conserved. In addition, this alteration is predicted to be tolerated by in silico analysis. Based on the available evidence, the clinical significance of this variant remains unclear.

NM_152594.3(SPRED1):c.530C>G (p.Pro177Arg)

Gene: SPRED1 (sprouty related EVH1 domain containing 1; plus strand). Cytogenetic location: 15q14.
Variant type: single nucleotide variant.
Coding change: c.530C>G on transcript NM_152594.3 (MANE Select); coding-DNA position 530, C replaced by G.
Protein change: p.Pro177Arg; replaces proline 177 with arginine.
Molecular consequence: missense variant.
Genome position (GRCh38, 1-based): chr15:38,339,843, C>G. VCF-style: chr15-38339843-C-G. GRCh37 (hg19) VCF-style: chr15-38632044-C-G.
Other names: short protein forms P177R.
Identifiers: ClinVar variation 3961369 (VCV003961369.1).
Genomic context (GRCh38, chr15:38,339,843, plus strand): 5'-TTCAGCAAGAGACAGTTGTTACCAGTGAGCCTTATAGAAGCTCAAATATAAGACCTTCTC[C>G]CTTTGAAGATCTGAATGCCAGAAGAGTCTACATGCAAAGCCAAGCCAATCAGGTAAGAAG-3'
Protein context (NP_689807.1, residues 167-187): PYRSSNIRPS[Pro177Arg]FEDLNARRVY